The following is an entry in ClinVar:

ClinVar aggregate classification (germline): Uncertain significance (1 of 4 stars; one submission).

Submission:

GeneDx
Classification: Uncertain significance. Last evaluated: 2026-03-17. Review status: criteria provided, single submitter. Criteria: GeneDx Variant Classification Process June 2021. Collection method: clinical testing. Allele origin: germline.
Comment: Not observed at significant frequency in large population cohorts (gnomAD); In silico analysis supports that this missense variant has a deleterious effect on protein structure/function; Has not been previously published as pathogenic or benign to our knowledge

NM_001005273.3(CHD3):c.5110A>C (p.Lys1704Gln)

Gene: CHD3 (chromodomain helicase DNA binding protein 3; plus strand). Cytogenetic location: 17p13.1.
Variant type: single nucleotide variant.
Coding change: c.5110A>C on transcript NM_001005273.3 (MANE Select); coding-DNA position 5110, A replaced by C.
Protein change: p.Lys1704Gln; replaces lysine 1704 with glutamine.
Molecular consequence: missense variant.
Genome position (GRCh38, 1-based): chr17:7,907,977, A>C. VCF-style: chr17-7907977-A-C. GRCh37 (hg19) VCF-style: chr17-7811295-A-C.
Other names: c.5287A>C, p.Lys1763Gln (NM_001005271.3, NM_001437504.1); c.5275A>C, p.Lys1759Gln (NM_001437507.1); c.5173A>C, p.Lys1725Gln (NM_001437508.1); c.5278A>C, p.Lys1760Gln (NM_001437509.1); c.5008A>C, p.Lys1670Gln (NM_005852.4); short protein forms K1704Q, K1760Q, K1670Q, K1725Q, K1763Q, K1759Q.
Identifiers: ClinVar variation 5009347 (VCV005009347.1).